The following is an entry in ClinVar:

ClinVar aggregate classification (germline): Uncertain significance. Review status: criteria provided, multiple submitters, no conflicts (2 of 4 stars). 4 submissions from 4 submitters: Uncertain significance (4). Last evaluated 2025-04-07.

Conditions:
Hereditary cancer-predisposing syndrome. Also called: Hereditary neoplastic syndrome; Hereditary Cancer Syndrome; Neoplastic Syndromes, Hereditary; Tumor predisposition. Identifiers: Orphanet 140162, MedGen C0027672, MeSH D009386, MONDO:0015356.
Classic or attenuated familial adenomatous polyposis. Identifiers: MedGen CN372698, MONDO:0021057.
Familial adenomatous polyposis 1 (FAP1). Also called: FAMILIAL ADENOMATOUS POLYPOSIS 1, ATTENUATED; POLYPOSIS, ADENOMATOUS INTESTINAL. Identifiers: MedGen C2713442, MONDO:0021056, OMIM 175100. Disease mechanism: loss of function.

Allele frequency attached by ClinVar (database versions not stated): gnomAD exomes below 0.00001.
gnomAD v4.1: 1 of 1,614,174 alleles (0.000062%); highest among the groups gnomAD compares: Non-Finnish European, 0.000085%; no homozygotes.

Submissions (4):

Color Diagnostics, LLC DBA Color Health
Classification: Uncertain significance for Hereditary cancer-predisposing syndrome. Last evaluated: 2025-04-07. Review status: criteria provided, single submitter. Criteria: ACMG Guidelines, 2015. Collection method: clinical testing. Allele origin: germline.
Comment: This missense variant replaces valine with glycine at codon 890 of the APC protein. Computational prediction suggests that this variant may have deleterious impact on protein structure and function. To our knowledge, functional studies have not been reported for this variant. This variant has not been reported in individuals affected with APC-related disorders in the literature. This variant has not been identified in the general population by the Genome Aggregation Database (gnomAD). The available evidence is insufficient to determine the role of this variant in disease conclusively. Therefore, this variant is classified as a Variant of Uncertain Significance.

Labcorp Genetics (formerly Invitae), Labcorp
Classification: Uncertain significance for Familial adenomatous polyposis 1. Last evaluated: 2024-05-21. Review status: criteria provided, single submitter. Criteria: Invitae Variant Classification Sherloc (09022015). Collection method: clinical testing. Allele origin: germline.
Comment: This sequence change replaces valine, which is neutral and non-polar, with glycine, which is neutral and non-polar, at codon 890 of the APC protein (p.Val890Gly). This variant is not present in population databases (gnomAD no frequency). This variant has not been reported in the literature in individuals affected with APC-related conditions. ClinVar contains an entry for this variant (Variation ID: 236577). Advanced modeling of protein sequence and biophysical properties (such as structural, functional, and spatial information, amino acid conservation, physicochemical variation, residue mobility, and thermodynamic stability) performed at Invitae indicates that this missense variant is not expected to disrupt APC protein function with a negative predictive value of 95%. In summary, the available evidence is currently insufficient to determine the role of this variant in disease. Therefore, it has been classified as a Variant of Uncertain Significance.

All of Us Research Program, National Institutes of Health
Classification: Uncertain significance for Classic or attenuated familial adenomatous polyposis. Last evaluated: 2024-05-09. Review status: criteria provided, single submitter. Criteria: ACMG Guidelines, 2015. Collection method: clinical testing. Allele origin: germline. Inheritance: Autosomal dominant inheritance. Observed: 3 variant alleles, 3 heterozygotes.
Comment: This missense variant replaces valine with glycine at codon 890 of the APC protein. Computational prediction suggests that this variant may have deleterious impact on protein structure and function (internally defined REVEL score threshold >= 0.7, PMID: 27666373). To our knowledge, functional studies have not been reported for this variant. This variant has not been reported in individuals affected with APC-related disorders in the literature. This variant has not been identified in the general population by the Genome Aggregation Database (gnomAD). The available evidence is insufficient to determine the role of this variant in disease conclusively. Therefore, this variant is classified as a Variant of Uncertain Significance.

This study involves interpretation of variants in research participants for the purpose of population health screening. Participant phenotype was not available at the time of variant classification. Additional details can be found in publication PMID: 35346344, PMCID: PMC8962531

Ambry Genetics
Classification: Uncertain significance for Hereditary cancer-predisposing syndrome. Last evaluated: 2024-04-29. Review status: criteria provided, single submitter. Criteria: Ambry Variant Classification Scheme 2023. Collection method: clinical testing. Allele origin: germline.
Comment: The p.V890G variant (also known as c.2669T>G), located in coding exon 15 of the APC gene, results from a T to G substitution at nucleotide position 2669. The valine at codon 890 is replaced by glycine, an amino acid with dissimilar properties. This amino acid position is well conserved in available vertebrate species. In addition, in silico predictors for this gene do not accurately predict pathogenicity. Since supporting evidence is limited at this time, the clinical significance of this alteration remains unclear.

NM_000038.6(APC):c.2669T>G (p.Val890Gly)

Gene: APC (APC regulator of Wnt signaling pathway; plus strand). Cytogenetic location: 5q22.2.
Variant type: single nucleotide variant.
Coding change: c.2669T>G on transcript NM_000038.6 (MANE Select); coding-DNA position 2669, T replaced by G.
Protein change: p.Val890Gly; replaces valine 890 with glycine.
Molecular consequence: missense variant.
Genome position (GRCh38, 1-based): chr5:112,838,263, T>G. VCF-style: chr5-112838263-T-G. GRCh37 (hg19) VCF-style: chr5-112173960-T-G.
Other names: c.2669T>G, p.Val890Gly (NM_001127510.3, NM_001354895.2); c.2615T>G, p.Val872Gly (NM_001127511.3); c.2723T>G, p.Val908Gly (NM_001354896.2); c.2699T>G, p.Val900Gly (NM_001354897.2); c.2594T>G, p.Val865Gly (NM_001354898.2); c.2585T>G, p.Val862Gly (NM_001354899.2); c.2546T>G, p.Val849Gly (NM_001354900.2); c.2492T>G, p.Val831Gly (NM_001354901.2); and 5 more; short protein forms V872G, V890G, V908G, V607G, V730G, V865G, V849G, V862G.
Identifiers: ClinVar variation 236577 (VCV000236577.21), dbSNP rs878853429, ClinGen allele CA10582298.
Genomic context (GRCh38, chr5:112,838,263, plus strand): 5'-CAGGAACTTCTTCAAAGCGAGGTTTGCAGATCTCCACCACTGCAGCCCAGATTGCCAAAG[T>G]CATGGAAGAAGTGTCAGCCATTCATACCTCTCAGGAAGACAGAAGTTCTGGGTCTACCAC-3'
Protein context (NP_000029.2, residues 880-900): ISTTAAQIAK[Val890Gly]MEEVSAIHTS